The following is an entry in ClinVar:

ClinVar aggregate classification (germline): Benign/Likely benign. Review status: criteria provided, multiple submitters, no conflicts (2 of 4 stars). 10 submissions from 9 submitters: Benign (9); Likely benign (1). Last evaluated 2026-05-08.

Conditions:
Odontochondrodysplasia 1. Identifiers: Orphanet 166272, MedGen C5542277, MONDO:0100325, OMIM 184260.
Achondrogenesis, type IA (ACG1A). Identifiers: Orphanet 932, Orphanet 93299, MedGen C0265273, MONDO:0008701, OMIM 200600.

Allele frequency attached by ClinVar (database versions not stated): 1000 Genomes Project 30x 0.26889; ExAC 0.31548; 1000 Genomes Project 0.27137; ESP Exome Variant Server 0.29333; TOPMed 0.27840; gnomAD 0.29281; gnomAD exomes 0.30622.
gnomAD v4.1: 517,179 of 1,608,338 alleles (32%); highest among the groups gnomAD compares: East Asian, 37%; 84,925 homozygotes.

Submissions (10):

Women's Health and Genetics/Laboratory Corporation of America, LabCorp
Classification: Likely benign. Last evaluated: 2026-05-08. Review status: criteria provided, single submitter. Criteria: LabCorp Variant Classification Summary - May 2015. Collection method: clinical testing. Allele origin: germline.

Labcorp Genetics (formerly Invitae), Labcorp
Classification: Benign for Achondrogenesis, type IA. Last evaluated: 2026-02-04. Review status: criteria provided, single submitter. Criteria: Invitae Variant Classification Sherloc (09022015). Collection method: clinical testing. Allele origin: germline.

ARUP Laboratories, Molecular Genetics and Genomics, ARUP Laboratories
Classification: Benign. Last evaluated: 2025-07-22. Review status: criteria provided, single submitter. Criteria: ARUP Molecular Germline Variant Investigation Process 2024. Collection method: clinical testing. Allele origin: germline.

Genome-Nilou Lab
Classification: Benign for Achondrogenesis, type IA. Last evaluated: 2021-09-10. Review status: criteria provided, single submitter. Criteria: ACMG Guidelines, 2015. Collection method: clinical testing. Allele origin: germline. Affected: no.

Genome-Nilou Lab
Classification: Benign for Odontochondrodysplasia 1. Last evaluated: 2021-09-10. Review status: criteria provided, single submitter. Criteria: ACMG Guidelines, 2015. Collection method: clinical testing. Allele origin: germline. Affected: no.

Mayo Clinic Laboratories, Mayo Clinic
Classification: Benign. Last evaluated: 2019-01-02. Review status: criteria provided, single submitter. Criteria: ACMG Guidelines, 2015. Collection method: clinical testing. Allele origin: germline. Observed: 22 variant alleles.

Illumina Laboratory Services, Illumina
Classification: Benign for Achondrogenesis, type IA. Last evaluated: 2018-01-13. Review status: criteria provided, single submitter. Criteria: ICSL Variant Classification Criteria 13 December 2019. Collection method: clinical testing. Allele origin: germline.
Comment: This variant was observed in the ICSL laboratory as part of a predisposition screen in an ostensibly healthy population. It had not been previously curated by ICSL or reported in the Human Gene Mutation Database (HGMD: prior to June 1st, 2018), and was therefore a candidate for classification through an automated scoring system. Utilizing variant allele frequency, disease prevalence and penetrance estimates, and inheritance mode, an automated score was calculated to assess if this variant is too frequent to cause the disease. Based on the score and internal cut-off values, a variant classified as benign is not then subjected to further curation. The score for this variant resulted in a classification of benign for this disease.

GeneDx
Classification: Benign. Last evaluated: 2016-04-14. Review status: criteria provided, single submitter. Criteria: GeneDx Variant Classification (06012015). Collection method: clinical testing. Allele origin: germline. Affected: yes.
Comment: This variant is considered likely benign or benign based on one or more of the following criteria: it is a conservative change, it occurs at a poorly conserved position in the protein, it is predicted to be benign by multiple in silico algorithms, and/or has population frequency not consistent with disease.

Eurofins Ntd Llc (ga)
Classification: Benign. Last evaluated: 2015-11-17. Review status: criteria provided, single submitter. Criteria: EGL Classification Definitions 2015. Collection method: clinical testing. Allele origin: germline. Observed: 38 variant alleles, 33 heterozygotes, 5 homozygotes.

Breakthrough Genomics
Classification: Benign. Review status: criteria provided, single submitter. Criteria: ACMG Guidelines, 2015. Collection method: not provided. Allele origin: germline. Inheritance: Autosomal recessive inheritance. Affected: yes.

NM_004239.4(TRIP11):c.5479G>A (p.Gly1827Ser)

Gene: TRIP11 (thyroid hormone receptor interactor 11; minus strand). Cytogenetic location: 14q32.12.
Variant type: single nucleotide variant.
Coding change: c.5479G>A on transcript NM_004239.4 (MANE Select); coding-DNA position 5479, G replaced by A.
Protein change: p.Gly1827Ser; replaces glycine 1827 with serine.
Molecular consequence: missense variant.
Genome position (GRCh38, 1-based): chr14:91,974,722, C>T on the plus strand (G>A on the coding strand, the complement: TRIP11 is on the minus strand). VCF-style: chr14-91974722-C-T. GRCh37 (hg19) VCF-style: chr14-92441066-C-T.
Other names: c.5476G>A, p.Gly1826Ser (NM_001321851.1); short protein forms G1827S, G1826S.
Identifiers: ClinVar variation 194954 (VCV000194954.36), dbSNP rs1051340, ClinGen allele CA201457.